The following is an entry in ClinVar:

NM_000393.5(COL5A2):c.3275G>A (p.Gly1092Asp)

Gene: COL5A2 (collagen type V alpha 2 chain; minus strand). Cytogenetic location: 2q32.2.
Variant type: single nucleotide variant.
Coding change: c.3275G>A on transcript NM_000393.5 (MANE Select); coding-DNA position 3275, G replaced by A.
Protein change: p.Gly1092Asp; replaces glycine 1092 with aspartic acid.
Molecular consequence: missense variant.
Genome position (GRCh38, 1-based): chr2:189,045,834, C>T on the plus strand (G>A on the coding strand, the complement: COL5A2 is on the minus strand). VCF-style: chr2-189045834-C-T. GRCh37 (hg19) VCF-style: chr2-189910560-C-T.
Other names: short protein forms G1092D.
Identifiers: ClinVar variation 517119 (VCV000517119.4), dbSNP rs770974455, ClinGen allele CA62590007.
Genomic context (GRCh38, chr2:189,045,834, plus strand): 5'-CAGTGTGAAATTGACTCCCTCCTTACCGGATCTCCTCTTTGTCCTGCATCTCCTGGAGCA[C>T]CCACAGGGCCAGGAGTTCCAGGGGCACCCTGAGAGCCTGGCAGACCTGCAGGCCCAGGGT-3'
Protein context (NP_000384.2, residues 1082-1102): QGAPGTPGPV[Gly1092Asp]APGDAGQRGD

ClinVar aggregate classification (germline): Uncertain significance. Review status: criteria provided, multiple submitters, no conflicts (2 of 4 stars). 3 submissions from 3 submitters: Uncertain significance (2). 1 of the submissions does not count toward it. Last evaluated 2025-02-08.

Conditions:
Familial thoracic aortic aneurysm and aortic dissection (TAAD). Also called: Thoracic aortic aneurysms and dissections. Identifiers: Orphanet 91387, MedGen C4707243, MONDO:0019625.
Ehlers-Danlos syndrome, classic type, 1 (EDSCL1). Also called: Ehlers-Danlos Syndrome, Classic Type, COL5A1-Related; EDS I; Ehlers-Danlos syndrome, type 1; EHLERS-DANLOS SYNDROME, GRAVIS TYPE; EHLERS-DANLOS SYNDROME, SEVERE CLASSIC TYPE. Identifiers: MedGen C0268335, MONDO:0019567, OMIM 130000.
Ehlers-Danlos syndrome, classic type, 2 (EDSCL2). Also called: Ehlers-Danlos Syndrome, Classic Type, COL5A2-Related; Ehlers-Danlos syndrome, type 2; Ehlers-Danlos syndrome type 2 (formerly). Identifiers: Orphanet 287, Orphanet 90318, MedGen C0268336, MONDO:0019568, OMIM 130010.

Allele frequency attached by ClinVar (database versions not stated): gnomAD exomes 0.00001 and 0.00002.
gnomAD v4.1: 28 of 1,614,168 alleles (0.0017%); highest among the groups gnomAD compares: Non-Finnish European, 0.0024%; no homozygotes.

Submissions (3):

Labcorp Genetics (formerly Invitae), Labcorp
Classification: Uncertain significance for Ehlers-Danlos syndrome, classic type, 1. Last evaluated: 2025-02-08. Review status: criteria provided, single submitter. Criteria: Invitae Variant Classification Sherloc (09022015). Collection method: clinical testing. Allele origin: germline.
Comment: This sequence change replaces glycine, which is neutral and non-polar, with aspartic acid, which is acidic and polar, at codon 1092 of the COL5A2 protein (p.Gly1092Asp). This variant is present in population databases (rs770974455, gnomAD 0.002%). This missense change has been observed in individual(s) with clinical features of COL5A2-related conditions (PMID: 29543232, 35753512). ClinVar contains an entry for this variant (Variation ID: 517119). Invitae Evidence Modeling of protein sequence and biophysical properties (such as structural, functional, and spatial information, amino acid conservation, physicochemical variation, residue mobility, and thermodynamic stability) indicates that this missense variant is expected to disrupt COL5A2 protein function with a positive predictive value of 80%. In summary, the available evidence is currently insufficient to determine the role of this variant in disease. Therefore, it has been classified as a Variant of Uncertain Significance.

New York Genome Center
Classification: Uncertain significance for Ehlers-Danlos syndrome, classic type, 2. Last evaluated: 2022-10-28. Review status: criteria provided, single submitter. Criteria: NYGC Assertion Criteria 2020. Collection method: clinical testing. Allele origin: inherited. Observed: 1 heterozygote. Study: PrenatalSEQ.
Comment: The c.3275G>A variant is observed in 2 out of 668,294 heterozygous alleles (no homozygotes) in population databases (gnomAD v2.1.1 and v3.1.2, TOPMed Freeze 8) suggesting it is not a common benign variant in those databases. The variant is located in exon 46 of this 54-exon gene, and is predicted to replace an evolutionarily conserved glycine residue with aspartic acid in one of the Gly-X-Y repeats within the triple-helix region [PMID:26608033]. In silico predictions are in favor of damaging effect for p.(Gly1092Asp) [REVEL score = 0.988]; however, functional studies to support or refute these predictions have not been performed. Based on available evidence, the maternally inherited heterozygous c.3275G>A p.(Gly1092Asp) variant identified is classified as a Variant of Uncertain Significance.

Centre for Genomic and Experimental Medicine, University of Edinburgh
Classification: Likely pathogenic for Familial thoracic aortic aneurysm and aortic dissection. Review status: no assertion criteria provided. Collection method: research. Allele origin: unknown. Affected: yes. Not counted in ClinVar's aggregate classification.

Literature cited by the submitters: PubMed 29543232 (cited by Labcorp Genetics (formerly Invitae), Labcorp); PubMed 35753512 (cited by Labcorp Genetics (formerly Invitae), Labcorp).